The following is an entry in ClinVar:

ClinVar aggregate classification (germline): Uncertain significance (1 of 4 stars; one submission).

Allele frequency attached by ClinVar (database versions not stated): gnomAD exomes below 0.00001.
gnomAD v4.1: 2 of 1,613,942 alleles (0.00012%); highest among the groups gnomAD compares: African/African-American, 0.0013%; no homozygotes.

Submission:

Labcorp Genetics (formerly Invitae), Labcorp
Classification: Uncertain significance. Last evaluated: 2023-06-02. Review status: criteria provided, single submitter. Criteria: Invitae Variant Classification Sherloc (09022015). Collection method: clinical testing. Allele origin: germline.
Comment: In summary, the available evidence is currently insufficient to determine the role of this variant in disease. Therefore, it has been classified as a Variant of Uncertain Significance. Advanced modeling of protein sequence and biophysical properties (such as structural, functional, and spatial information, amino acid conservation, physicochemical variation, residue mobility, and thermodynamic stability) performed at Invitae indicates that this missense variant is not expected to disrupt ADGRV1 protein function. This variant has not been reported in the literature in individuals affected with ADGRV1-related conditions. This variant is not present in population databases (gnomAD no frequency). This sequence change replaces leucine, which is neutral and non-polar, with arginine, which is basic and polar, at codon 1498 of the ADGRV1 protein (p.Leu1498Arg).

NM_032119.4(ADGRV1):c.4493T>G (p.Leu1498Arg)

Gene: ADGRV1 (adhesion G protein-coupled receptor V1; plus strand). Cytogenetic location: 5q14.3.
Variant type: single nucleotide variant.
Coding change: c.4493T>G on transcript NM_032119.4 (MANE Select); coding-DNA position 4493, T replaced by G.
Protein change: p.Leu1498Arg; replaces leucine 1498 with arginine.
Molecular consequence: missense variant. On other transcripts: non-coding transcript variant (1).
Genome position (GRCh38, 1-based): chr5:90,658,019, T>G. VCF-style: chr5-90658019-T-G. GRCh37 (hg19) VCF-style: chr5-89953836-T-G.
Other names: short protein forms L1498R.
Identifiers: ClinVar variation 3008086 (VCV003008086.1), dbSNP rs2532128906, ClinGen allele CA360403805.
Genomic context (GRCh38, chr5:90,658,019, plus strand): 5'-GTCTGATGCAGGATGTGAGGTCCTATGAGCGGAAACTGACGCTTGAAGAAATTTATGAAC[T>G]TCATGCCATGCCCGCAAAAAGTGATTTACACCCAATTTCTGGATATCTGGAGTTCAGACA-3'
Protein context (NP_115495.3, residues 1488-1508): RKLTLEEIYE[Leu1498Arg]HAMPAKSDLH